The following is an entry in ClinVar:

ClinVar aggregate classification (germline): Pathogenic/Likely pathogenic. Review status: criteria provided, multiple submitters, no conflicts (2 of 4 stars). 4 submissions from 4 submitters: Pathogenic (1); Likely pathogenic (3). Last evaluated 2025-10-11.

Conditions:
Late-infantile neuronal ceroid lipofuscinosis. Also called: Jansky-Bielschowsky disease. Identifiers: MedGen C0022340, MONDO:0015674.
Neuronal ceroid lipofuscinosis 7 (CLN7). Also called: MFSD8-Related Neuronal Ceroid-Lipofuscinosis. Identifiers: Orphanet 168491, Orphanet 228366, MedGen C1838571, MONDO:0012588, OMIM 610951.
MFSD8-related disorders.

Allele frequency attached by ClinVar (database versions not stated): gnomAD exomes below 0.00001 and 0.00001; TOPMed 0.00001.

Submissions (4):

Labcorp Genetics (formerly Invitae), Labcorp
Classification: Pathogenic for Neuronal ceroid lipofuscinosis 7. Last evaluated: 2025-10-11. Review status: criteria provided, single submitter. Criteria: Invitae Variant Classification Sherloc (09022015). Collection method: clinical testing. Allele origin: germline.
Comment: This sequence change creates a premature translational stop signal (p.Ser442*) in the MFSD8 gene. While this is not anticipated to result in nonsense mediated decay, it is expected to disrupt the last 77 amino acid(s) of the MFSD8 protein. This variant is present in population databases (no rsID available, gnomAD 0.0009%). This variant has not been reported in the literature in individuals affected with MFSD8-related conditions. ClinVar contains an entry for this variant (Variation ID: 1074727). Algorithms developed to predict the effect of sequence changes on RNA splicing suggest that this variant may disrupt the consensus splice site. This variant disrupts a region of the MFSD8 protein in which other variant(s) (p.Arg482*) have been determined to be pathogenic (PMID: 19177532, 25976102, 28708303; internal data). This suggests that this is a clinically significant region of the protein, and that variants that disrupt it are likely to be disease-causing. For these reasons, this variant has been classified as Pathogenic.

Natera, Inc.
Classification: Likely pathogenic for Late-infantile neuronal ceroid lipofuscinosis. Last evaluated: 2025-09-04. Review status: criteria provided, single submitter. Criteria: Natera Variant Classification Schema (03/2026). Collection method: clinical testing. Allele origin: germline.
Comment: The c.1325C>A variant in MFSD8 is a nonsense variant predicted to introduce a stop codon at amino acid 442. This variant is expected to result in nonsense mediated decay, truncation, or a dysfunctional protein product. This variant is rare in the general population with a frequency below the threshold expected for the associated phenotype(s). Given the available evidence, this variant is classified as Likely Pathogenic.

GeneDx
Classification: Likely pathogenic. Last evaluated: 2024-09-04. Review status: criteria provided, single submitter. Criteria: GeneDx Variant Classification Process June 2021. Collection method: clinical testing. Allele origin: germline. Affected: yes.
Comment: Reported previously in an unaffected carrier; however, no further information was provided (PMID: 31964843); Nonsense variant predicted to result in protein truncation, as the last 77 amino acids are lost, and other loss-of-function variants have been reported downstream in HGMD; Not observed at significant frequency in large population cohorts (gnomAD); This variant is associated with the following publications: (PMID: 31964843)

Blueprint Genetics
Classification: Likely pathogenic for MFSD8-related disorders. Last evaluated: 2020-07-17. Review status: criteria provided, single submitter. Criteria: ACMG Guidelines, 2015. Collection method: clinical testing. Allele origin: germline. Affected: yes. Observed: 2 variant alleles.

Literature cited by the submitters: PubMed 19177532 (cited by Labcorp Genetics (formerly Invitae), Labcorp); PubMed 25976102 (cited by Labcorp Genetics (formerly Invitae), Labcorp); PubMed 28708303 (cited by Labcorp Genetics (formerly Invitae), Labcorp).

NM_001371596.2(MFSD8):c.1325C>A (p.Ser442Ter)

Gene: MFSD8 (major facilitator superfamily domain containing 8; minus strand). Cytogenetic location: 4q28.2.
Variant type: single nucleotide variant.
Coding change: c.1325C>A on transcript NM_001371596.2 (MANE Select); coding-DNA position 1325, C replaced by A.
Protein change: p.Ser442Ter; replaces serine 442 with a stop codon.
Molecular consequence: nonsense.
Genome position (GRCh38, 1-based): chr4:127,921,549, G>T on the plus strand (C>A on the coding strand, the complement: MFSD8 is on the minus strand). VCF-style: chr4-127921549-G-T. GRCh37 (hg19) VCF-style: chr4-128842704-G-T.
Other names: c.1124C>A, p.Ser375Ter (NM_001363520.3); c.1010C>A, p.Ser337Ter (NM_001363521.3); c.1190C>A, p.Ser397Ter (NM_001371590.2); c.1325C>A, p.Ser442Ter (NM_001371591.2, NM_152778.4); c.1331C>A, p.Ser444Ter (NM_001371592.2); c.1211C>A, p.Ser404Ter (NM_001371593.2); c.1178C>A, p.Ser393Ter (NM_001371594.2); c.1043C>A, p.Ser348Ter (NM_001371595.1); and 3 more; short protein forms S337*, S348*, S375*, S393*, S397*, S404*, S442*, S444*.
Identifiers: ClinVar variation 1074727 (VCV001074727.9), dbSNP rs953995815, ClinGen allele CA105670639.
Genomic context (GRCh38, chr4:127,921,549, plus strand): 5'-TTTCTATAATTGCAATGTCAGGGTACCTGGCTTACCTGAGGTTTTGGTCCTAGAATTTTT[G>T]AATATAGAGTATAGGACATAAGATTGCAGACTGGATAGCCTAATCCTATTAGCACAGCTG-3'